The following is an entry in ClinVar:

ClinVar aggregate classification (germline): Likely benign. Review status: criteria provided, multiple submitters, no conflicts (2 of 4 stars). 6 submissions from 6 submitters: Likely benign (4). 2 of the submissions do not count toward it. Last evaluated 2026-01-04.

Conditions:
POLD1-related polyposis and colorectal cancer syndrome (CRCS10). Also called: Colorectal cancer, susceptibility to, 10; Colorectal cancer 10; COLORECTAL CANCER, SUSCEPTIBILITY TO, ON CHROMOSOME 19q. Identifiers: Orphanet 220460, MedGen C2675481, MONDO:0012953, OMIM 612591.
POLD1-related disorder. Also called: POLD1-related disorders; POLD1-related condition.

Allele frequency attached by ClinVar (database versions not stated): TOPMed 0.00002; gnomAD 0.00003 and 0.00004.
gnomAD v4.1: 44 of 1,613,302 alleles (0.0027%); highest among the groups gnomAD compares: Non-Finnish European, 0.0035%; no homozygotes.

Submissions (6):

Labcorp Genetics (formerly Invitae), Labcorp
Classification: Likely benign for POLD1-related polyposis and colorectal cancer syndrome. Last evaluated: 2026-01-04. Review status: criteria provided, single submitter. Criteria: Invitae Variant Classification Sherloc (09022015). Collection method: clinical testing. Allele origin: germline.

Myriad Genetics, Inc.
Classification: Likely benign for POLD1-related polyposis and colorectal cancer syndrome. Last evaluated: 2023-04-19. Review status: criteria provided, single submitter. Criteria: Myriad Autosomal Dominant, Autosomal Recessive and X-Linked Classification Criteria (2023). Collection method: clinical testing. Allele origin: unknown.
Comment: This variant is considered likely benign. This variant is intronic and is not expected to impact mRNA splicing.

GeneDx
Classification: Likely benign. Last evaluated: 2017-09-07. Review status: criteria provided, single submitter. Criteria: GeneDx Variant Classification (06012015). Collection method: clinical testing. Allele origin: germline. Affected: yes.
Comment: This variant is considered likely benign or benign based on one or more of the following criteria: it is a conservative change, it occurs at a poorly conserved position in the protein, it is predicted to be benign by multiple in silico algorithms, and/or has population frequency not consistent with disease.

Quest Diagnostics Nichols Institute San Juan Capistrano
Classification: Likely benign. Last evaluated: 2017-01-17. Review status: criteria provided, single submitter. Criteria: Quest Diagnostics criteria. Collection method: clinical testing. Allele origin: germline.

PreventionGenetics, part of Exact Sciences
Classification: Likely benign for POLD1-related condition. Last evaluated: 2022-03-15. Review status: no assertion criteria provided. Collection method: clinical testing. Allele origin: germline. Not counted in ClinVar's aggregate classification.
Comment: This variant is classified as likely benign based on ACMG/AMP sequence variant interpretation guidelines (Richards et al. 2015 PMID: 25741868, with internal and published modifications).

Counsyl
Classification: Likely benign for POLD1-related polyposis and colorectal cancer syndrome. Last evaluated: 2016-10-11. Review status: no assertion criteria provided. Collection method: clinical testing. Allele origin: unknown. Not counted in ClinVar's aggregate classification.

NM_002691.4(POLD1):c.1383+9G>C

Gene: POLD1 (DNA polymerase delta 1, catalytic subunit; plus strand). Cytogenetic location: 19q13.33.
Variant type: single nucleotide variant.
Coding change: c.1383+9G>C on transcript NM_002691.4 (MANE Select); 9 bases into the intron after coding-DNA position 1383, G replaced by C.
Molecular consequence: intron variant.
Genome position (GRCh38, 1-based): chr19:50,406,331, G>C. VCF-style: chr19-50406331-G-C. GRCh37 (hg19) VCF-style: chr19-50909588-G-C.
Other names: c.1383+9G>C (LRG_785t1, LRG_785t2, NM_001308632.1 and 1 more transcripts).
Identifiers: ClinVar variation 372012 (VCV000372012.17), dbSNP rs767098823, ClinGen allele CA16042187.